The following is an entry in ClinVar:

NM_004963.4(GUCY2C):c.3134A>G (p.Gln1045Arg)

Genes: GUCY2C (guanylate cyclase 2C; minus strand), PLBD1-AS1 (PLBD1 antisense RNA 1; plus strand). Cytogenetic location: 12p12.3.
Variant type: single nucleotide variant.
Coding change: c.3134A>G on transcript NM_004963.4 (MANE Select); coding-DNA position 3134, A replaced by G.
Protein change: p.Gln1045Arg; replaces glutamine 1045 with arginine.
Molecular consequence: missense variant.
Genome position (GRCh38, 1-based): chr12:14,613,205, T>C on the plus strand (A>G on the coding strand, the complement: GUCY2C is on the minus strand). VCF-style: chr12-14613205-T-C. GRCh37 (hg19) VCF-style: chr12-14766139-T-C.
Other names: short protein forms Q1045R.
Identifiers: ClinVar variation 3625383 (VCV003625383.2).

ClinVar aggregate classification (germline): Uncertain significance (1 of 4 stars; one submission).

gnomAD v4.1: 1 of 1,613,596 alleles (0.000062%); highest among the groups gnomAD compares: East Asian, 0.0022%; no homozygotes.

Submission:

Labcorp Genetics (formerly Invitae), Labcorp
Classification: Uncertain significance. Last evaluated: 2025-02-02. Review status: criteria provided, single submitter. Criteria: Invitae Variant Classification Sherloc (09022015). Collection method: clinical testing. Allele origin: germline.
Comment: This sequence change replaces glutamine, which is neutral and polar, with arginine, which is basic and polar, at codon 1045 of the GUCY2C protein (p.Gln1045Arg). This variant is not present in population databases (gnomAD no frequency). This variant has not been reported in the literature in individuals affected with GUCY2C-related conditions. An algorithm developed to predict the effect of missense changes on protein structure and function outputs the following: PolyPhen-2: "Benign". The arginine amino acid residue is found in multiple mammalian species, which suggests that this missense change does not adversely affect protein function. In summary, the available evidence is currently insufficient to determine the role of this variant in disease. Therefore, it has been classified as a Variant of Uncertain Significance.